The following is an entry in ClinVar:

ClinVar aggregate classification (germline): Uncertain significance (1 of 4 stars; one submission).

gnomAD v4.1: 11 of 1,601,054 alleles (0.00069%); highest among the groups gnomAD compares: Non-Finnish European, 0.00094%; 1 homozygote.

Submission:

GeneDx
Classification: Uncertain significance. Last evaluated: 2024-04-23. Review status: criteria provided, single submitter. Criteria: GeneDx Variant Classification Process June 2021. Collection method: clinical testing. Allele origin: germline. Affected: yes.
Comment: Not observed at significant frequency in large population cohorts (gnomAD); In silico analysis indicates that this variant does not alter splicing; Has not been previously published as pathogenic or benign to our knowledge; Reported using an alternate transcript of the gene

NM_001330078.2(NRXN1):c.3365-109875G>C

Gene: NRXN1 (neurexin 1; minus strand). Cytogenetic location: 2p16.3.
Variant type: single nucleotide variant.
Coding change: c.3365-109875G>C on transcript NM_001330078.2 (MANE Select); 109875 bases into the intron before coding-DNA position 3365, G replaced by C.
Molecular consequence: intron variant. On other transcripts: missense variant (4).
Genome position (GRCh38, 1-based): chr2:50,346,845, C>G on the plus strand (G>C on the coding strand, the complement: NRXN1 is on the minus strand). VCF-style: chr2-50346845-C-G. GRCh37 (hg19) VCF-style: chr2-50573983-C-G.
Other names: c.105G>C, p.Trp35Cys (NM_001330091.2, NM_001330092.2, NM_001330097.2 and 1 more transcripts); c.3254-109875G>C (NM_001330096.2, NM_001330087.2); c.3299-109875G>C (NM_001330083.2, NM_001330084.2); c.3284-109875G>C (NM_001330088.2); c.3362-109875G>C (NM_001330093.2); c.3353-109875G>C (NM_001330094.2); c.3314-109875G>C (NM_001330095.2); c.3341-109875G>C (NM_001330082.2, NM_001330077.2); and 3 more; short protein forms W35C.
Identifiers: ClinVar variation 3372973 (VCV003372973.1).